The following is an entry in ClinVar:

ClinVar aggregate classification (germline): Pathogenic (1 of 4 stars; one submission).

Conditions:
Short stature, rhizomelic, with microcephaly, micrognathia, and developmental delay (SSMG). Also called: SHORT STATURE-MICROGNATHIA SYNDROME. Identifiers: Orphanet 659702, MedGen C4310686, MONDO:0014948, OMIM 617164.

Submission:

Department of Human Genetics, SALK University Hospital, Paracelsus Medical University Salzburg
Classification: Pathogenic for Short stature, rhizomelic, with microcephaly, micrognathia, and developmental delay. Last evaluated: 2025-11-03. Review status: criteria provided, single submitter. Criteria: ACMG Guidelines, 2015. Collection method: clinical testing. Allele origin: de novo. Inheritance: Autosomal dominant inheritance. Affected: yes.
Comment: De novo fameshift variant predicted to result in protein truncation or nonsense mediated decay in a gene for which loss-of-function is a known mechanism of disease. Not observed at significant frequency in large population cohorts (gnomAD). The following ACMG criteria were applied in classifying this variant: PVS1, PM2, PS2. This variant scored 13 points (13P-0B) using the point system described in PMID:32720330.

Literature cited by the submitters: PubMed 27476655; PubMed 31075182; PubMed 33154040; PubMed 35300924; PubMed 38044464; PubMed 39731039; PubMed 32720330.

NM_001655.5(ARCN1):c.1288C>T (p.Arg430Ter)

Gene: ARCN1 (archain 1 coat protein complex I subunit delta; plus strand). Cytogenetic location: 11q23.3.
Variant type: single nucleotide variant.
Coding change: c.1288C>T on transcript NM_001655.5 (MANE Select); coding-DNA position 1288, C replaced by T.
Protein change: p.Arg430Ter; replaces arginine 430 with a stop codon.
Molecular consequence: nonsense. On other transcripts: non-coding transcript variant (2), intron variant (3).
Genome position (GRCh38, 1-based): chr11:118,597,753, C>T. VCF-style: chr11-118597753-C-T. GRCh37 (hg19) VCF-style: chr11-118468468-C-T.
Other names: c.1024C>T, p.Arg342Ter (NM_001142281.2); c.1351C>T, p.Arg451Ter (NM_001425073.1); c.1285C>T, p.Arg429Ter (NM_001425074.1); c.1231C>T, p.Arg411Ter (NM_001425075.1); c.1219C>T, p.Arg407Ter (NM_001425076.1); c.1123C>T, p.Arg375Ter (NM_001425077.1); c.844C>T, p.Arg282Ter (NM_001425080.1); c.1242-2872C>T (NM_001425078.1); and 2 more; short protein forms R282*, R342*, R375*, R407*, R411*, R429*, R430*, R451*.
Identifiers: ClinVar variation 4294302 (VCV004294302.2).